The following is an entry in ClinVar:

NM_032806.6(POMGNT2):c.454G>A (p.Val152Met)

Gene: POMGNT2 (protein O-linked mannose N-acetylglucosaminyltransferase 2 (beta 1,4-); minus strand). Cytogenetic location: 3p22.1.
Variant type: single nucleotide variant.
Coding change: c.454G>A on transcript NM_032806.6 (MANE Select); coding-DNA position 454, G replaced by A.
Protein change: p.Val152Met; replaces valine 152 with methionine.
Molecular consequence: missense variant.
Genome position (GRCh38, 1-based): chr3:43,080,978, C>T on the plus strand (G>A on the coding strand, the complement: POMGNT2 is on the minus strand). VCF-style: chr3-43080978-C-T. GRCh37 (hg19) VCF-style: chr3-43122470-C-T.
Other names: short protein forms V152M.
Identifiers: ClinVar variation 473279 (VCV000473279.33), dbSNP rs201114442, ClinGen allele CA2340075.

ClinVar aggregate classification (germline): Conflicting classifications of pathogenicity. Review status: criteria provided, conflicting classifications (1 of 4 stars). 3 submissions from 3 submitters: Uncertain significance (1); Likely benign (1). 1 of the submissions does not count toward it. Last evaluated 2023-04-01.

Conditions:
Muscular dystrophy-dystroglycanopathy (congenital with brain and eye anomalies), type a, 8 (MDDGA8). Also called: WALKER-WARBURG SYNDROME OR MUSCLE-EYE-BRAIN DISEASE, GTDC2-RELATED. Identifiers: Orphanet 899, MedGen C3553813, MONDO:0013904, OMIM 614830.
POMGNT2-related disorder. Also called: POMGNT2-related condition.

Allele frequency attached by ClinVar (database versions not stated): gnomAD 0.00011 and 0.00017; TOPMed 0.00018; gnomAD exomes 0.00022; ExAC 0.00026; 1000 Genomes Project 30x 0.00078; 1000 Genomes Project 0.00100.

Submissions (3):

CeGaT Center for Human Genetics Tuebingen
Classification: Likely benign. Last evaluated: 2023-04-01. Review status: criteria provided, single submitter. Criteria: CeGaT Center For Human Genetics Tuebingen Variant Classification Criteria Version 2. Collection method: clinical testing. Allele origin: germline. Affected: yes. Observed: 1 variant allele.
Comment: POMGNT2: BS2

Labcorp Genetics (formerly Invitae), Labcorp
Classification: Uncertain significance for Muscular dystrophy-dystroglycanopathy (congenital with brain and eye anomalies), type a, 8. Last evaluated: 2022-08-23. Review status: criteria provided, single submitter. Criteria: Invitae Variant Classification Sherloc (09022015). Collection method: clinical testing. Allele origin: germline.
Comment: This sequence change replaces valine, which is neutral and non-polar, with methionine, which is neutral and non-polar, at codon 152 of the POMGNT2 protein (p.Val152Met). This variant is present in population databases (rs201114442, gnomAD 0.2%). This variant has not been reported in the literature in individuals affected with POMGNT2-related conditions. ClinVar contains an entry for this variant (Variation ID: 473279). Algorithms developed to predict the effect of missense changes on protein structure and function are either unavailable or do not agree on the potential impact of this missense change (SIFT: "Deleterious"; PolyPhen-2: "Possibly Damaging"; Align-GVGD: "Class C15"). In summary, the available evidence is currently insufficient to determine the role of this variant in disease. Therefore, it has been classified as a Variant of Uncertain Significance.

PreventionGenetics, part of Exact Sciences
Classification: Likely benign for POMGNT2-related condition. Last evaluated: 2022-03-08. Review status: no assertion criteria provided. Collection method: clinical testing. Allele origin: germline. Not counted in ClinVar's aggregate classification.
Comment: This variant is classified as likely benign based on ACMG/AMP sequence variant interpretation guidelines (Richards et al. 2015 PMID: 25741868, with internal and published modifications).